The following is an entry in ClinVar:

NM_004304.5(ALK):c.463G>C (p.Val155Leu)

Gene: ALK (ALK receptor tyrosine kinase; minus strand). Cytogenetic location: 2p23.1.
Variant type: single nucleotide variant.
Coding change: c.463G>C on transcript NM_004304.5 (MANE Select); coding-DNA position 463, G replaced by C.
Protein change: p.Val155Leu; replaces valine 155 with leucine.
Molecular consequence: missense variant.
Genome position (GRCh38, 1-based): chr2:29,920,197, C>G on the plus strand (G>C on the coding strand, the complement: ALK is on the minus strand). VCF-style: chr2-29920197-C-G. GRCh37 (hg19) VCF-style: chr2-30143063-C-G.
Other names: short protein forms V155L.
Identifiers: ClinVar variation 857536 (VCV000857536.11), dbSNP rs751920643, ClinGen allele CA1594968.
Genomic context (GRCh38, chr2:29,920,197, plus strand): 5'-TGAACAGCTCGCTGAGATTGAACTGGAGCAGCCCCACAGCCGCCTCCCCGGGGGGCCCGA[C>G]GCAACCCTCCAAGATCGCCTCCTCGCCCAGCTCCAGCACCAACTGCTTGGCACGCCGGAG-3'
Protein context (NP_004295.2, residues 145-165): LGEEAILEGC[Val155Leu]GPPGEAAVGL

ClinVar aggregate classification (germline): Uncertain significance. Review status: criteria provided, multiple submitters, no conflicts (2 of 4 stars). 2 submissions from 2 submitters: Uncertain significance (2). Last evaluated 2025-01-07.

Conditions:
Hereditary cancer-predisposing syndrome. Also called: Hereditary neoplastic syndrome; Tumor predisposition; Neoplastic Syndromes, Hereditary; Hereditary Cancer Syndrome. Identifiers: Orphanet 140162, MedGen C0027672, MeSH D009386, MONDO:0015356.
Neuroblastoma, susceptibility to, 3. Also called: ALK-Related Neuroblastic Tumor Susceptibility. Identifiers: Orphanet 635, MedGen C2751681, MONDO:0013083, OMIM 613014.

Allele frequency attached by ClinVar (database versions not stated): gnomAD exomes below 0.00001; ExAC 0.00001.
gnomAD v4.1: 2 of 1,613,440 alleles (0.00012%); highest among the groups gnomAD compares: Admixed American, 0.0033%; no homozygotes.

Submissions (2):

Ambry Genetics
Classification: Uncertain significance for Hereditary cancer-predisposing syndrome. Last evaluated: 2025-01-07. Review status: criteria provided, single submitter. Criteria: Ambry Variant Classification Scheme 2023. Collection method: clinical testing. Allele origin: germline.
Comment: The p.V155L variant (also known as c.463G>C), located in coding exon 1 of the ALK gene, results from a G to C substitution at nucleotide position 463. The valine at codon 155 is replaced by leucine, an amino acid with highly similar properties. This amino acid position is conserved. In addition, this alteration is predicted to be tolerated by in silico analysis. Since supporting evidence is limited at this time, the clinical significance of this alteration remains unclear.

Labcorp Genetics (formerly Invitae), Labcorp
Classification: Uncertain significance for Neuroblastoma, susceptibility to, 3. Last evaluated: 2024-04-10. Review status: criteria provided, single submitter. Criteria: Invitae Variant Classification Sherloc (09022015). Collection method: clinical testing. Allele origin: germline.
Comment: This sequence change replaces valine, which is neutral and non-polar, with leucine, which is neutral and non-polar, at codon 155 of the ALK protein (p.Val155Leu). This variant is present in population databases (rs751920643, gnomAD 0.003%). This variant has not been reported in the literature in individuals affected with ALK-related conditions. ClinVar contains an entry for this variant (Variation ID: 857536). Algorithms developed to predict the effect of missense changes on protein structure and function output the following: SIFT: "Not Available"; PolyPhen-2: "Benign"; Align-GVGD: "Not Available". The leucine amino acid residue is found in multiple mammalian species, which suggests that this missense change does not adversely affect protein function. In summary, the available evidence is currently insufficient to determine the role of this variant in disease. Therefore, it has been classified as a Variant of Uncertain Significance.